The following is an entry in ClinVar:

NM_000142.5(FGFR3):c.931-693G>A

Gene: FGFR3 (fibroblast growth factor receptor 3; plus strand). Cytogenetic location: 4p16.3.
Variant type: single nucleotide variant.
Coding change: c.931-693G>A on transcript NM_000142.5 (MANE Select); 693 bases into the intron before coding-DNA position 931, G replaced by A.
Molecular consequence: intron variant. On other transcripts: missense variant (1), non-coding transcript variant (1).
Genome position (GRCh38, 1-based): chr4:1,802,999, G>A. VCF-style: chr4-1802999-G-A. GRCh37 (hg19) VCF-style: chr4-1804726-G-A.
Other names: c.1016G>A, p.Arg339Gln (NM_001163213.2); c.931-693G>A (NM_001354809.2, NM_001354810.2); c.930+974G>A (NM_022965.4); short protein forms R339Q.
Identifiers: ClinVar variation 4983552 (VCV004983552.1).
Genomic context (GRCh38, chr4:1,802,999, plus strand): 5'-CCGACGTGCGCCTCCGCCTGGCCAATGTGTCGGAGCGGGACGGGGGCGAGTACCTCTGTC[G>A]AGCCACCAATTTCATAGGCGTGGCCGAGAAGGCCTTTTGGCTGAGCGTTCACGGGCCCCG-3'

ClinVar aggregate classification (germline): Uncertain significance (1 of 4 stars; one submission).

Conditions:
FGFR3-related disorder. Also called: FGFR3-related disorders.

Submission:

PreventionGenetics, part of Exact Sciences
Classification: Uncertain significance for FGFR3-related condition. Last evaluated: 2026-07-29. Review status: criteria provided, single submitter. Criteria: ACMG Guidelines, 2015. Collection method: clinical testing. Allele origin: germline.
Comment: The FGFR3 c.1016G>A variant is predicted to result in the amino acid substitution p.Arg339Gln. To our knowledge, this variant has not been reported in the literature. This variant is reported in 0.0094% of alleles in individuals of Latino descent in gnomAD. At this time, the clinical significance of this variant is uncertain due to the absence of conclusive functional and genetic evidence.